The following is an entry in ClinVar:

NM_001282717.2(STAG3):c.1999C>T (p.Arg667Cys)

Gene: STAG3 (STAG3 cohesin complex component; plus strand). Cytogenetic location: 7q22.1.
Variant type: single nucleotide variant.
Coding change: c.1999C>T on transcript NM_001282717.2 (MANE Select); coding-DNA position 1999, C replaced by T.
Protein change: p.Arg667Cys; replaces arginine 667 with cysteine.
Molecular consequence: missense variant. On other transcripts: non-coding transcript variant (3).
Genome position (GRCh38, 1-based): chr7:100,200,907, C>T. VCF-style: chr7-100200907-C-T. GRCh37 (hg19) VCF-style: chr7-99798530-C-T.
Other names: c.1999C>T, p.Arg667Cys (NM_001282716.1, NM_001375438.1, NM_012447.4); c.1825C>T, p.Arg609Cys (NM_001282718.2); short protein forms R609C, R667C.
Identifiers: ClinVar variation 2657743 (VCV002657743.25), dbSNP rs141693812, ClinGen allele CA4378604.

ClinVar aggregate classification (germline): Uncertain significance. Review status: criteria provided, multiple submitters, no conflicts (2 of 4 stars). 2 submissions from 2 submitters: Uncertain significance (2). Last evaluated 2025-07-01.

Allele frequency attached by ClinVar (database versions not stated): 1000 Genomes Project 30x 0.00047; 1000 Genomes Project 0.00060; TOPMed 0.00084; gnomAD 0.00111; ESP Exome Variant Server 0.00123.

Submissions (2):

CeGaT Center for Human Genetics Tuebingen
Classification: Uncertain significance. Last evaluated: 2025-07-01. Review status: criteria provided, single submitter. Criteria: CeGaT Center For Human Genetics Tuebingen Variant Classification Criteria Version 2. Collection method: clinical testing. Allele origin: germline. Affected: yes. Observed: 2 variant alleles.
Comment: STAG3: PM2

Clinical Genetics Laboratory, Skane University Hospital Lund
Classification: Uncertain significance. Last evaluated: 2023-01-09. Review status: criteria provided, single submitter. Criteria: ACMG Guidelines, 2015. Collection method: clinical testing. Allele origin: germline. Affected: yes.